The following is an entry in ClinVar:

ClinVar aggregate classification (germline): Uncertain significance. Review status: criteria provided, multiple submitters, no conflicts (2 of 4 stars). 3 submissions from 3 submitters: Uncertain significance (3). Last evaluated 2025-12-15.

Conditions:
EAST syndrome (SESAMES). Also called: SEIZURES, SENSORINEURAL DEAFNESS, ATAXIA, IMPAIRED INTELLECTUAL DEVELOPMENT, AND ELECTROLYTE IMBALANCE. Identifiers: Orphanet 199343, MedGen C2748572, MONDO:0013005, OMIM 612780.
Inborn genetic diseases. Identifiers: MedGen C0950123, MeSH D030342.
Autosomal recessive nonsyndromic hearing loss 4 (DFNB4). Also called: DEAFNESS, AUTOSOMAL RECESSIVE 4, WITH ENLARGED VESTIBULAR AQUEDUCT, DIGENIC; NEUROSENSORY NONSYNDROMIC RECESSIVE DEAFNESS 4; FOXI1-Related Pendred Syndrome; KCNJ10-Related Pendred Syndrome; Enlarged vestibular aqueduct, digenic; Nonsyndromic enlarged vestibular aqueduct (NSEVA). Identifiers: Orphanet 90636, MedGen C3538946, MONDO:0010933, OMIM 600791.

Allele frequency attached by ClinVar (database versions not stated): ExAC 0.00002; gnomAD 0.00002; gnomAD exomes 0.00002; TOPMed 0.00003.
gnomAD v4.1: 26 of 1,614,138 alleles (0.0016%); highest among the groups gnomAD compares: Middle Eastern, 0.033%; 1 homozygote.

Submissions (3):

Ambry Genetics
Classification: Uncertain significance for Inborn genetic diseases. Last evaluated: 2025-12-15. Review status: criteria provided, single submitter. Criteria: Ambry Variant Classification Scheme 2023. Collection method: clinical testing. Allele origin: germline.
Comment: The c.1048G>A (p.G350R) alteration is located in exon 2 (coding exon 1) of the KCNJ10 gene. This alteration results from a G to A substitution at nucleotide position 1048, causing the glycine (G) at amino acid position 350 to be replaced by an arginine (R). Based on data from gnomAD, the A allele has an overall frequency of 0.002% (6/251358) total alleles studied. The highest observed frequency was 0.015% (5/34568) of Latino alleles. Based on insufficient or conflicting evidence, the clinical significance of this alteration remains unclear.

Labcorp Genetics (formerly Invitae), Labcorp
Classification: Uncertain significance for EAST syndrome. Last evaluated: 2025-09-16. Review status: criteria provided, single submitter. Criteria: Invitae Variant Classification Sherloc (09022015). Collection method: clinical testing. Allele origin: germline.
Comment: This sequence change replaces glycine, which is neutral and non-polar, with arginine, which is basic and polar, at codon 350 of the KCNJ10 protein (p.Gly350Arg). This variant is present in population databases (rs770453248, gnomAD 0.01%). This variant has not been reported in the literature in individuals affected with KCNJ10-related conditions. ClinVar contains an entry for this variant (Variation ID: 411159). Invitae Evidence Modeling of protein sequence and biophysical properties (such as structural, functional, and spatial information, amino acid conservation, physicochemical variation, residue mobility, and thermodynamic stability) indicates that this missense variant is not expected to disrupt KCNJ10 protein function with a negative predictive value of 95%. In summary, the available evidence is currently insufficient to determine the role of this variant in disease. Therefore, it has been classified as a Variant of Uncertain Significance.

Fulgent Genetics
Classification: Uncertain significance for Autosomal recessive nonsyndromic hearing loss 4; EAST syndrome. Last evaluated: 2024-05-22. Review status: criteria provided, single submitter. Criteria: ACMG Guidelines, 2015. Collection method: clinical testing. Allele origin: germline.

NM_002241.5(KCNJ10):c.1048G>A (p.Gly350Arg)

Gene: KCNJ10 (potassium inwardly rectifying channel subfamily J member 10; minus strand). Cytogenetic location: 1q23.2.
Variant type: single nucleotide variant.
Coding change: c.1048G>A on transcript NM_002241.5 (MANE Select); coding-DNA position 1048, G replaced by A.
Protein change: p.Gly350Arg; replaces glycine 350 with arginine.
Molecular consequence: missense variant.
Genome position (GRCh38, 1-based): chr1:160,041,485, C>T on the plus strand (G>A on the coding strand, the complement: KCNJ10 is on the minus strand). VCF-style: chr1-160041485-C-T. GRCh37 (hg19) VCF-style: chr1-160011275-C-T.
Other names: short protein forms G350R.
Identifiers: ClinVar variation 411159 (VCV000411159.11), dbSNP rs770453248, ClinGen allele CA1193168.
Genomic context (GRCh38, chr1:160,041,485, plus strand): 5'-TGCCCTCCTTCTCAGCTTGCTCCCTTAATGACTCCTCCAACTTGAGCTTTTCAGGGTCTC[C>T]GTAGCGTACAGTGCTGTCACGGAGGCCACTAGGAGAGGCCACTTTCACAACTTGGTCAAA-3'
Protein context (NP_002232.2, residues 340-360): SGLRDSTVRY[Gly350Arg]DPEKLKLEES